The following is an entry in ClinVar:

NM_198525.3(KIF7):c.2887T>A (p.Ser963Thr)

Gene: KIF7 (kinesin family member 7; minus strand). Cytogenetic location: 15q26.1.
Variant type: single nucleotide variant.
Coding change: c.2887T>A on transcript NM_198525.3 (MANE Select); coding-DNA position 2887, T replaced by A.
Protein change: p.Ser963Thr; replaces serine 963 with threonine.
Molecular consequence: missense variant.
Genome position (GRCh38, 1-based): chr15:89,632,828, A>T on the plus strand (T>A on the coding strand, the complement: KIF7 is on the minus strand). VCF-style: chr15-89632828-A-T. GRCh37 (hg19) VCF-style: chr15-90176059-A-T.
Other names: short protein forms S963T.
Identifiers: ClinVar variation 435645 (VCV000435645.16), dbSNP rs567836651, ClinGen allele CA7727915.
Genomic context (GRCh38, chr15:89,632,828, plus strand): 5'-ACCTCACTTCACTGGACCTCACCTGGCAGGATCTCTCCTGGCAGGGCCTCACCTGGCTGG[A>T]TCTCAGGCGCTTGCTCTCCAGCCCCGTCTTCTCCTGCATCAGGGCCTCCTTCTTGGCCAG-3'
Protein context (NP_940927.2, residues 953-973): KTGLESKRLR[Ser963Thr]SQALNEDIVR

ClinVar aggregate classification (germline): Uncertain significance. Review status: criteria provided, multiple submitters, no conflicts (2 of 4 stars). 5 submissions from 5 submitters: Uncertain significance (5). Last evaluated 2026-01-22.

Conditions:
Acrocallosal syndrome (ACLS). Also called: Schinzel syndrome 1; Absence of corpus callosum with unusual facial appearance, mental deficiency, duplication of the halluces and polydactyly; HALLUX DUPLICATION, POSTAXIAL POLYDACTYLY, AND ABSENCE OF CORPUS CALLOSUM. Identifiers: Orphanet 36, MedGen C0796147, MONDO:0008708, OMIM 200990.
Hydrolethalus syndrome 2 (HLS2). Identifiers: Orphanet 2189, MedGen C3279899, MONDO:0013585, OMIM 614120.
Multiple epiphyseal dysplasia, Al-Gazali type. Also called: Macrocephaly with multiple epiphyseal dysplasia and distinctive facies. Identifiers: Orphanet 166024, MedGen C1846722, MONDO:0011778, OMIM 607131.
Inborn genetic diseases. Identifiers: MedGen C0950123, MeSH D030342.

Allele frequency attached by ClinVar (database versions not stated): gnomAD 0.00001; gnomAD exomes 0.00003; TOPMed 0.00003.
gnomAD v4.1: 44 of 1,605,274 alleles (0.0027%); highest among the groups gnomAD compares: Non-Finnish European, 0.0036%; no homozygotes.

Submissions (5):

Labcorp Genetics (formerly Invitae), Labcorp
Classification: Uncertain significance for Acrocallosal syndrome. Last evaluated: 2026-01-22. Review status: criteria provided, single submitter. Criteria: Invitae Variant Classification Sherloc (09022015). Collection method: clinical testing. Allele origin: germline.
Comment: This sequence change replaces serine, which is neutral and polar, with threonine, which is neutral and polar, at codon 963 of the KIF7 protein (p.Ser963Thr). This variant is present in population databases (rs567836651, gnomAD 0.005%). This variant has not been reported in the literature in individuals affected with KIF7-related conditions. ClinVar contains an entry for this variant (Variation ID: 435645). Invitae Evidence Modeling of protein sequence and biophysical properties (such as structural, functional, and spatial information, amino acid conservation, physicochemical variation, residue mobility, and thermodynamic stability) has been performed for this missense variant. However, the output from this modeling did not meet the statistical confidence thresholds required to predict the impact of this variant on KIF7 protein function. In summary, the available evidence is currently insufficient to determine the role of this variant in disease. Therefore, it has been classified as a Variant of Uncertain Significance.

Ambry Genetics
Classification: Uncertain significance for Inborn genetic diseases. Last evaluated: 2025-01-19. Review status: criteria provided, single submitter. Criteria: Ambry Variant Classification Scheme 2023. Collection method: clinical testing. Allele origin: germline.

GeneDx
Classification: Uncertain significance. Last evaluated: 2024-05-22. Review status: criteria provided, single submitter. Criteria: GeneDx Variant Classification Process June 2021. Collection method: clinical testing. Allele origin: germline. Affected: yes.
Comment: Not observed at significant frequency in large population cohorts (gnomAD); In silico analysis supports that this missense variant has a deleterious effect on protein structure/function; Has not been previously published as pathogenic or benign to our knowledge

Fulgent Genetics
Classification: Uncertain significance for Acrocallosal syndrome; Multiple epiphyseal dysplasia, Al-Gazali type; Hydrolethalus syndrome 2. Last evaluated: 2021-09-11. Review status: criteria provided, single submitter. Criteria: ACMG Guidelines, 2015. Collection method: clinical testing. Allele origin: unknown.

Genetic Services Laboratory, University of Chicago
Classification: Uncertain significance. Last evaluated: 2017-02-20. Review status: criteria provided, single submitter. Criteria: ACMG Guidelines, 2015. Collection method: clinical testing. Allele origin: germline. Affected: no.